The following is an entry in ClinVar:

NM_033109.5(PNPT1):c.1566T>A (p.Gly522=)

Gene: PNPT1 (polyribonucleotide nucleotidyltransferase 1; minus strand). Cytogenetic location: 2p16.1.
Variant type: single nucleotide variant.
Coding change: c.1566T>A on transcript NM_033109.5 (MANE Select); coding-DNA position 1566, T replaced by A.
Protein change: p.Gly522=; no amino-acid change (glycine 522 retained).
Molecular consequence: synonymous variant.
Genome position (GRCh38, 1-based): chr2:55,647,383, A>T on the plus strand (T>A on the coding strand, the complement: PNPT1 is on the minus strand). VCF-style: chr2-55647383-A-T. GRCh37 (hg19) VCF-style: chr2-55874518-A-T.
Identifiers: ClinVar variation 1193887 (VCV001193887.10), dbSNP rs754237697, ClinGen allele CA1668028.
Genomic context (GRCh38, chr2:55,647,383, plus strand): 5'-ATTTGAAACCGAGAATATACTTGCCAAAATATCTGTCAGCAAACGATAATCTTCTATTTC[A>T]CCCTTCTCAGGATCGGTTTTGGTGACCAATCCTATTGCTACGCCTGCAACAGCAGATGAA-3'
Protein context (NP_149100.2, residues 512-532): GLVTKTDPEK[Gly522=]EIEDYRLLTD

ClinVar aggregate classification (germline): Conflicting classifications of pathogenicity. Review status: criteria provided, conflicting classifications (1 of 4 stars). 2 submissions from 2 submitters: Uncertain significance (1); Likely benign (1). Last evaluated 2025-01-08.

Allele frequency attached by ClinVar (database versions not stated): TOPMed below 0.00001; gnomAD exomes 0.00003 and 0.00004; ExAC 0.00004.
gnomAD v4.1: 23 of 1,609,780 alleles (0.0014%); highest among the groups gnomAD compares: Non-Finnish European, 0.002%; no homozygotes.

Submissions (2):

Labcorp Genetics (formerly Invitae), Labcorp
Classification: Likely benign. Last evaluated: 2025-01-08. Review status: criteria provided, single submitter. Criteria: Invitae Variant Classification Sherloc (09022015). Collection method: clinical testing. Allele origin: germline.

GeneDx
Classification: Uncertain significance. Last evaluated: 2021-03-09. Review status: criteria provided, single submitter. Criteria: GeneDx Variant Classification Process June 2021. Collection method: clinical testing. Allele origin: germline. Affected: yes.
Comment: Has not been previously published as pathogenic or benign to our knowledge; Not observed at a significant frequency in large population cohorts (Lek et al., 2016); In-silico analysis, which includes splice predictors and evolutionary conservation, is inconclusive as to whether the variant alters gene splicing. In the absence of RNA/functional studies, the actual effect of this sequence change is unknown.